The following is an entry in ClinVar:

NM_031471.6(FERMT3):c.938C>T (p.Pro313Leu)

Gene: FERMT3 (FERM domain containing kindlin 3; plus strand). Cytogenetic location: 11q13.1.
Variant type: single nucleotide variant.
Coding change: c.938C>T on transcript NM_031471.6 (MANE Select); coding-DNA position 938, C replaced by T.
Protein change: p.Pro313Leu; replaces proline 313 with leucine.
Molecular consequence: missense variant.
Genome position (GRCh38, 1-based): chr11:64,219,567, C>T. VCF-style: chr11-64219567-C-T. GRCh37 (hg19) VCF-style: chr11-63987039-C-T.
Other names: c.938C>T (NM_031471.5); c.938C>T, p.Pro313Leu (NM_001382361.1, NM_001382362.1, NM_001382448.1 and 1 more transcripts); c.398C>T, p.Pro133Leu (NM_001382363.1, NM_001382364.1); short protein forms P313L, P133L.
Identifiers: ClinVar variation 1414643 (VCV001414643.5), dbSNP rs141200776, ClinGen allele CA6068960.

ClinVar aggregate classification (germline): Uncertain significance. Review status: criteria provided, multiple submitters, no conflicts (2 of 4 stars). 2 submissions from 2 submitters: Uncertain significance (2). Last evaluated 2025-06-16.

Conditions:
Leukocyte adhesion deficiency 3. Also called: INTEGRIN ACTIVATION DEFICIENCY DISEASE; LEUKOCYTE ADHESION DEFICIENCY 1 VARIANT; Leukocyte adhesion deficiency, type III. Identifiers: Orphanet 2968, Orphanet 99844, MedGen C2748536, MONDO:0013016, OMIM 612840.
Inborn genetic diseases. Identifiers: MedGen C0950123, MeSH D030342.

Allele frequency attached by ClinVar (database versions not stated): gnomAD exomes 0.00005 and 0.00006; ExAC 0.00009; ESP Exome Variant Server 0.00015; TOPMed 0.00018; gnomAD 0.00024 and 0.00025.
gnomAD v4.1: 109 of 1,611,900 alleles (0.0068%); highest among the groups gnomAD compares: African/African-American, 0.069%; no homozygotes.

Submissions (2):

Ambry Genetics
Classification: Uncertain significance for Inborn genetic diseases. Last evaluated: 2025-06-16. Review status: criteria provided, single submitter. Criteria: Ambry Variant Classification Scheme 2023. Collection method: clinical testing. Allele origin: germline.

Labcorp Genetics (formerly Invitae), Labcorp
Classification: Uncertain significance for Leukocyte adhesion deficiency 3. Last evaluated: 2024-10-28. Review status: criteria provided, single submitter. Criteria: Invitae Variant Classification Sherloc (09022015). Collection method: clinical testing. Allele origin: germline.
Comment: This sequence change replaces proline, which is neutral and non-polar, with leucine, which is neutral and non-polar, at codon 313 of the FERMT3 protein (p.Pro313Leu). This variant is present in population databases (rs141200776, gnomAD 0.05%). This variant has not been reported in the literature in individuals affected with FERMT3-related conditions. ClinVar contains an entry for this variant (Variation ID: 1414643). Invitae Evidence Modeling of protein sequence and biophysical properties (such as structural, functional, and spatial information, amino acid conservation, physicochemical variation, residue mobility, and thermodynamic stability) indicates that this missense variant is not expected to disrupt FERMT3 protein function with a negative predictive value of 80%. In summary, the available evidence is currently insufficient to determine the role of this variant in disease. Therefore, it has been classified as a Variant of Uncertain Significance.